The following is an entry in ClinVar:

NM_013247.5(HTRA2):c.1195G>A (p.Gly399Ser)

Genes: HTRA2 (HtrA serine peptidase 2; plus strand), LOXL3 (lysyl oxidase like 3; minus strand). Cytogenetic location: 2p13.1.
Variant type: single nucleotide variant.
Coding change: c.1195G>A on transcript NM_013247.5 (MANE Select); coding-DNA position 1195, G replaced by A.
Protein change: p.Gly399Ser; replaces glycine 399 with serine.
Molecular consequence: missense variant. On other transcripts: non-coding transcript variant (4), 3 prime UTR variant (3), intron variant (3).
Genome position (GRCh38, 1-based): chr2:74,532,698, G>A. VCF-style: chr2-74532698-G-A. GRCh37 (hg19) VCF-style: chr2-74759825-G-A.
Other names: c.*908C>T (NM_001289164.3, NM_001289165.2, NM_032603.5); c.1146-122G>A (NM_001321727.1); c.1116-122G>A (NM_001321728.1); c.921-122G>A (NM_145074.2); short protein forms G399S.
Identifiers: ClinVar variation 4341 (VCV000004341.45), dbSNP rs72470545, ClinGen allele CA023411.

ClinVar aggregate classification (germline): Benign/Likely benign. Review status: criteria provided, multiple submitters, no conflicts (2 of 4 stars). 8 submissions from 8 submitters: Benign (2); Likely benign (5). 1 of the submissions does not count toward it. Last evaluated 2026-08-01.

Conditions:
Parkinson disease 13, autosomal dominant, susceptibility to. Identifiers: Orphanet 2828, MedGen C1853202, MONDO:0012466, OMIM 610297.

Allele frequency attached by ClinVar (database versions not stated): gnomAD 0.00266 and 0.00231; ExAC 0.00437; 1000 Genomes Project 0.00359; gnomAD exomes 0.00400 and 0.00396; TOPMed 0.00274; 1000 Genomes Project 30x 0.00344.
gnomAD v4.1: 6,178 of 1,613,838 alleles (0.38%); highest among the groups gnomAD compares: South Asian, 1.4%; 29 homozygotes.

Submissions (8):

CeGaT Center for Human Genetics Tuebingen
Classification: Benign. Last evaluated: 2026-08-01. Review status: criteria provided, single submitter. Criteria: CeGaT Center For Human Genetics Tuebingen Variant Classification Criteria Version 2. Collection method: clinical testing. Allele origin: germline. Affected: yes. Observed: 24 variant alleles.
Comment: HTRA2: BS1, BS2

Labcorp Genetics (formerly Invitae), Labcorp
Classification: Benign. Last evaluated: 2026-02-01. Review status: criteria provided, single submitter. Criteria: Invitae Variant Classification Sherloc (09022015). Collection method: clinical testing. Allele origin: germline.

Mayo Clinic Laboratories, Mayo Clinic
Classification: Likely benign. Last evaluated: 2025-06-23. Review status: criteria provided, single submitter. Criteria: ACMG Guidelines, 2015. Collection method: clinical testing. Allele origin: germline. Observed: 3 variant alleles.
Comment: BA1, BS2, PP3_moderate

GeneDx
Classification: Likely benign. Last evaluated: 2020-08-05. Review status: criteria provided, single submitter. Criteria: GeneDx Variant Classification Process June 2021. Collection method: clinical testing. Allele origin: germline. Affected: yes.
Comment: This variant is associated with the following publications: (PMID: 15961413, 18364387, 21701498, 27535533, 26264438, 27884173, 25422467, 25504046)

Illumina Laboratory Services, Illumina
Classification: Likely benign for Parkinson disease 13, autosomal dominant, susceptibility to. Last evaluated: 2017-04-27. Review status: criteria provided, single submitter. Criteria: ICSL Variant Classification Criteria 13 December 2019. Collection method: clinical testing. Allele origin: germline.
Comment: This variant was observed as part of a predisposition screen in an ostensibly healthy population. A literature search was performed for the gene, cDNA change, and amino acid change (where applicable). Publications were found based on this search. The evidence from the literature, in combination with allele frequency data from public databases where available, was sufficient to determine this variant is unlikely to cause disease. Therefore, this variant is classified as likely benign.

Breakthrough Genomics
Classification: Likely benign. Review status: criteria provided, single submitter. Criteria: ACMG Guidelines, 2015. Collection method: not provided. Allele origin: germline. Inheritance: Autosomal recessive inheritance. Affected: yes.

Broad Center for Mendelian Genomics, Broad Institute of MIT and Harvard
Classification: Likely benign for Parkinson disease 13, autosomal dominant, susceptibility to. Review status: criteria provided, single submitter. Criteria: ACMG Guidelines, 2015. Collection method: research. Allele origin: germline. Affected: yes.
Comment: The heterozygous p.Gly399Ser variant in HTRA2 has been identified in 4 individuals with Parkinson disease and individuals without Parkinson disease (PMID: 15961413, 18364387, 25422467), but has also been identified in >1% of South Asian chromosomes and 4 homozoygotes by ExAC. In summary, although additional studies are required to fully establish its clinical significance, this variant meets criteria to be classified as likely benign for Parkinson disease.

OMIM
Classification: Uncertain significance for RECLASSIFIED - VARIANT OF UNKNOWN SIGNIFICANCE. Last evaluated: 2008-07-01. Review status: no assertion criteria provided. Collection method: literature only. Allele origin: germline. Not counted in ClinVar's aggregate classification.

Literature cited by the submitters: PubMed 15961413 (cited by 4 submitters); PubMed 18364387 (cited by 4 submitters); PubMed 18790661 (cited by Mayo Clinic Laboratories, Mayo Clinic and Illumina Laboratory Services, Illumina); PubMed 21163861 (cited by Mayo Clinic Laboratories, Mayo Clinic and Illumina Laboratory Services, Illumina); PubMed 25422467 (cited by Mayo Clinic Laboratories, Mayo Clinic and Broad Center for Mendelian Genomics, Broad Institute of MIT and Harvard); PubMed 25504046 (cited by Mayo Clinic Laboratories, Mayo Clinic); PubMed 27535533 (cited by Mayo Clinic Laboratories, Mayo Clinic); PubMed 27884173 (cited by Mayo Clinic Laboratories, Mayo Clinic); PubMed 33716130 (cited by Mayo Clinic Laboratories, Mayo Clinic); PubMed 35132093 (cited by Mayo Clinic Laboratories, Mayo Clinic); PubMed 38555279 (cited by Mayo Clinic Laboratories, Mayo Clinic); PubMed 19118185 (cited by Illumina Laboratory Services, Illumina); Hamosh, A. Personal Communication. 2019. Baltimore, Md. (cited by OMIM).